The following is an entry in ClinVar:

ClinVar aggregate classification (germline): Uncertain significance. Review status: criteria provided, single submitter (1 of 4 stars). 2 submissions from 2 submitters: Uncertain significance (1). 1 of the submissions does not count toward it. Last evaluated 2023-04-01.

Conditions:
Dystonia 22, adult-onset (DYT22AO). Identifiers: MedGen C5830658, MONDO:0957542, OMIM 620456.

Allele frequency attached by ClinVar (database versions not stated): TOPMed below 0.00001; ExAC 0.00001; gnomAD exomes 0.00001.
gnomAD v4.1: 8 of 1,613,874 alleles (0.0005%); highest among the groups gnomAD compares: South Asian, 0.0022%; no homozygotes.

Submissions (2):

CeGaT Center for Human Genetics Tuebingen
Classification: Uncertain significance. Last evaluated: 2023-04-01. Review status: criteria provided, single submitter. Criteria: CeGaT Center For Human Genetics Tuebingen Variant Classification Criteria Version 2. Collection method: clinical testing. Allele origin: germline. Affected: yes. Observed: 1 variant allele.
Comment: TSPOAP1: PM2

OMIM
Classification: Pathogenic for DYSTONIA 22, ADULT-ONSET (1 family). Last evaluated: 2023-07-31. Review status: no assertion criteria provided. Collection method: literature only. Allele origin: germline. Not counted in ClinVar's aggregate classification.

Literature cited by the submitters: PubMed 33539324 (cited by OMIM).

NM_004758.4(TSPOAP1):c.5422G>A (p.Gly1808Ser)

Gene: TSPOAP1 (TSPO associated protein 1; minus strand). Cytogenetic location: 17q22.
Variant type: single nucleotide variant.
Coding change: c.5422G>A on transcript NM_004758.4 (MANE Select); coding-DNA position 5422, G replaced by A.
Protein change: p.Gly1808Ser; replaces glycine 1808 with serine.
Molecular consequence: missense variant.
Genome position (GRCh38, 1-based): chr17:58,305,398, C>T on the plus strand (G>A on the coding strand, the complement: TSPOAP1 is on the minus strand). VCF-style: chr17-58305398-C-T. GRCh37 (hg19) VCF-style: chr17-56382759-C-T.
Other names: TSPOAP1, GLY1808SER (rs752560074); c.5395G>A, p.Gly1799Ser (NM_001261835.2); c.5242G>A, p.Gly1748Ser (NM_024418.3); short protein forms G1808S, G1748S, G1799S.
Identifiers: ClinVar variation 2574618 (VCV002574618.25), dbSNP rs752560074, ClinGen allele CA8671268.